The following is an entry in ClinVar:

ClinVar aggregate classification (germline): Pathogenic (1 of 4 stars; one submission).

Conditions:
Ellis-van Creveld syndrome (EVC). Also called: MESOECTODERMAL DYSPLASIA; Chondroectodermal dysplasia. Identifiers: Orphanet 289, MedGen C0013903, MONDO:0009162, OMIM 225500.

Submission:

Myriad Genetics, Inc.
Classification: Pathogenic for Ellis-van Creveld syndrome. Last evaluated: 2023-09-27. Review status: criteria provided, single submitter. Criteria: Myriad Autosomal Dominant, Autosomal Recessive and X-Linked Classification Criteria (2023). Collection method: clinical testing. Allele origin: unknown.
Comment: NM_147127.4(EVC2):c.3176dupA(N1059Kfs*9) is expected to be pathogenic in the context of EVC2-related Ellis-van Creveld syndrome. This variant is predicted to lead to an abnormal or absent protein product due to the creation of a premature termination codon in EVC2, a gene where loss-of-function variants are known to be pathogenic. Please note: this variant was assessed in the context of healthy population screening.

NM_147127.5(EVC2):c.3176dup (p.Asn1059fs)

Gene: EVC2 (EvC ciliary complex subunit 2; minus strand). Cytogenetic location: 4p16.2.
Variant type: Duplication.
Coding change: c.3176dup on transcript NM_147127.5 (MANE Select); coding-DNA position 3176, one base duplicated (A; older notation c.3176dupA).
Protein change: p.Asn1059fs; shifts the reading frame from asparagine 1059.
Molecular consequence: frameshift variant.
Genome position (GRCh38, 1-based): chr4:5,576,336, T duplicated on the plus strand (A on the coding strand, the reverse complement: EVC2 is on the minus strand); the first of 2 consecutive T bases (chr4:5,576,336-5,576,337); duplicating either gives the same sequence. VCF-style (leftmost placement, unchanged base first): chr4-5576335-G-GT. GRCh37 (hg19) VCF-style: chr4-5578062-G-GT.
Other names: c.2936dup, p.Asn979fs (NM_001166136.2); short protein forms N1059fs, N979fs.
Identifiers: ClinVar variation 5012137 (VCV005012137.1).